The following is an entry in ClinVar:

ClinVar aggregate classification (germline): Uncertain significance (1 of 4 stars; one submission).

Conditions:
SPECC1L-related disorder. Also called: SPECC1L-related condition.

gnomAD v4.1: 2 of 1,614,040 alleles (0.00012%); highest among the groups gnomAD compares: African/African-American, 0.0027%; no homozygotes.

Submission:

PreventionGenetics, part of Exact Sciences
Classification: Uncertain significance for SPECC1L-related condition. Last evaluated: 2026-01-26. Review status: criteria provided, single submitter. Criteria: ACMG Guidelines, 2015. Collection method: clinical testing. Allele origin: germline.
Comment: The SPECC1L c.1064C>T variant is predicted to result in the amino acid substitution p.Pro355Leu. To our knowledge, this variant has not been reported in the literature or in a large population database (gnomAD), indicating this variant is rare. At this time, the clinical significance of this variant is uncertain due to the absence of conclusive functional and genetic evidence.

NM_015330.6(SPECC1L):c.1064C>T (p.Pro355Leu)

Genes: SPECC1L (sperm antigen with calponin homology and coiled-coil domains 1 like; plus strand), SPECC1L-ADORA2A (SPECC1L-ADORA2A readthrough (NMD candidate); plus strand). Cytogenetic location: 22q11.23.
Variant type: single nucleotide variant.
Coding change: c.1064C>T on transcript NM_015330.6 (MANE Select); coding-DNA position 1064, C replaced by T.
Protein change: p.Pro355Leu; replaces proline 355 with leucine.
Molecular consequence: missense variant. On other transcripts: non-coding transcript variant (1).
Genome position (GRCh38, 1-based): chr22:24,322,044, C>T. VCF-style: chr22-24322044-C-T. GRCh37 (hg19) VCF-style: chr22-24718012-C-T.
Other names: c.1064C>T, p.Pro355Leu (NM_001145468.4, NM_001254732.3); short protein forms P355L.
Identifiers: ClinVar variation 4985736 (VCV004985736.1).